The following is an entry in ClinVar:

NM_006531.5(IFT88):c.2176C>A (p.Arg726Ser)

Gene: IFT88 (intraflagellar transport 88; plus strand). Cytogenetic location: 13q12.11.
Variant type: single nucleotide variant.
Coding change: c.2176C>A on transcript NM_006531.5 (MANE Select); coding-DNA position 2176, C replaced by A.
Protein change: p.Arg726Ser; replaces arginine 726 with serine.
Molecular consequence: missense variant. On other transcripts: non-coding transcript variant (5).
Genome position (GRCh38, 1-based): chr13:20,670,973, C>A. VCF-style: chr13-20670973-C-A. GRCh37 (hg19) VCF-style: chr13-21245112-C-A.
Other names: c.2119C>A, p.Arg707Ser (NM_001318491.2); c.2203C>A, p.Arg735Ser (NM_001318493.2, NM_001353565.2, NM_001353566.2 and 2 more transcripts); c.2176C>A, p.Arg726Ser (NM_001353568.2, NM_001353572.2); c.2101C>A, p.Arg701Ser (NM_001353569.2, NM_001353570.2, NM_001353576.2 and 1 more transcripts); c.2074C>A, p.Arg692Ser (NM_001353571.2, NM_001353578.2); c.2032C>A, p.Arg678Ser (NM_001353573.2); c.2017C>A, p.Arg673Ser (NM_001353574.2); c.2243C>A, p.Ala748Glu (NM_001353575.2); and 1 more; short protein forms A748E, R692S, R701S, R673S, R735S, R515S, R678S, R707S.
Identifiers: ClinVar variation 3005097 (VCV003005097.3), dbSNP rs373718900, ClinGen allele CA6905696.
Genomic context (GRCh38, chr13:20,670,973, plus strand): 5'-TATATTCAACTTTGAAGGAATAGCACTTATTCTTTTAAACTTGTCTTCTCTTTGCTCTAG[C>A]GCATAAAGTCAGGCAGAGATGGCAGTGGGGGCTCCCGTGGCAAAAGAGAAGGAAGTGCTA-3'
Protein context (NP_006522.2, residues 716-736): LEKMKEIREQ[Arg726Ser]IKSGRDGSGG

ClinVar aggregate classification (germline): Uncertain significance (1 of 4 stars; one submission).

gnomAD v4.1: 12 of 1,613,074 alleles (0.00074%); highest among the groups gnomAD compares: Non-Finnish European, 0.00093%; no homozygotes.

Submission:

Labcorp Genetics (formerly Invitae), Labcorp
Classification: Uncertain significance. Last evaluated: 2025-11-17. Review status: criteria provided, single submitter. Criteria: Invitae Variant Classification Sherloc (09022015). Collection method: clinical testing. Allele origin: germline.
Comment: This sequence change replaces arginine, which is basic and polar, with serine, which is neutral and polar, at codon 735 of the IFT88 protein (p.Arg735Ser). This variant is present in population databases (rs373718900, gnomAD 0.003%). This variant has not been reported in the literature in individuals affected with IFT88-related conditions. ClinVar contains an entry for this variant (Variation ID: 3005097). An algorithm developed to predict the effect of missense changes on protein structure and function (PolyPhen-2) suggests that this variant is likely to be tolerated. In summary, the available evidence is currently insufficient to determine the role of this variant in disease. Therefore, it has been classified as a Variant of Uncertain Significance.